The following is an entry in ClinVar:

ClinVar aggregate classification (germline): Benign. Review status: criteria provided, multiple submitters, no conflicts (2 of 4 stars). 6 submissions from 5 submitters: Benign (6). Last evaluated 2024-09-23.

Conditions:
Developmental and epileptic encephalopathy, 28 (DEE28). Also called: Epileptic encephalopathy, early infantile, 28. Identifiers: Orphanet 442835, MedGen C4015519, MONDO:0014533, OMIM 616211.
Autosomal recessive spinocerebellar ataxia 12. Also called: SPINOCEREBELLAR ATAXIA WITH MENTAL RETARDATION AND EPILEPSY. Identifiers: Orphanet 284282, MedGen C3280452, MONDO:0013687, OMIM 614322.

Allele frequency attached by ClinVar (database versions not stated): ESP Exome Variant Server 0.00016; gnomAD exomes 0.00202 and 0.00762; gnomAD 0.00275 and 0.00303; TOPMed 0.00496; ExAC 0.00570; 1000 Genomes Project 0.00799; 1000 Genomes Project 30x 0.00828.
gnomAD v4.1: 3,405 of 1,614,018 alleles (0.21%); highest among the groups gnomAD compares: Admixed American, 4%; 68 homozygotes.

Submissions (6):

Athena Diagnostics
Classification: Benign. Last evaluated: 2024-09-23. Review status: criteria provided, single submitter. Criteria: Athena Diagnostics Criteria. Collection method: clinical testing. Allele origin: unknown.

Genome-Nilou Lab
Classification: Benign for Developmental and epileptic encephalopathy, 28. Last evaluated: 2021-12-05. Review status: criteria provided, single submitter. Criteria: ACMG Guidelines, 2015. Collection method: clinical testing. Allele origin: germline. Affected: no.

Genome-Nilou Lab
Classification: Benign for Autosomal recessive spinocerebellar ataxia 12. Last evaluated: 2021-12-05. Review status: criteria provided, single submitter. Criteria: ACMG Guidelines, 2015. Collection method: clinical testing. Allele origin: germline. Affected: no.

Mayo Clinic Laboratories, Mayo Clinic
Classification: Benign. Last evaluated: 2019-12-11. Review status: criteria provided, single submitter. Criteria: ACMG Guidelines, 2015. Collection method: clinical testing. Allele origin: germline. Observed: 7 variant alleles.

GeneDx
Classification: Benign. Last evaluated: 2016-07-26. Review status: criteria provided, single submitter. Criteria: GeneDx Variant Classification (06012015). Collection method: clinical testing. Allele origin: germline. Affected: yes.
Comment: This variant is considered likely benign or benign based on one or more of the following criteria: it is a conservative change, it occurs at a poorly conserved position in the protein, it is predicted to be benign by multiple in silico algorithms, and/or has population frequency not consistent with disease.

Breakthrough Genomics
Classification: Benign. Review status: criteria provided, single submitter. Criteria: ACMG Guidelines, 2015. Collection method: not provided. Allele origin: germline. Inheritance: Autosomal recessive inheritance. Affected: yes.

NM_016373.4(WWOX):c.*3G>T

Genes: MAF (MAF bZIP transcription factor; minus strand), WWOX (WW domain containing oxidoreductase; plus strand). Cytogenetic location: 16q23.2.
Variant type: single nucleotide variant.
Coding change: c.*3G>T on transcript NM_016373.4 (MANE Select); 3 bases downstream of the stop codon, G replaced by T.
Molecular consequence: 3 prime UTR variant.
Genome position (GRCh38, 1-based): chr16:79,211,799, G>T. VCF-style: chr16-79211799-G-T. GRCh37 (hg19) VCF-style: chr16-79245696-G-T.
Other names: c.*3G>T (NM_001291997.2).
Identifiers: ClinVar variation 382759 (VCV000382759.6), dbSNP rs140060332, ClinGen allele CA8183814.